The following is an entry in ClinVar:

ClinVar aggregate classification (germline): Pathogenic/Likely pathogenic. Review status: criteria provided, multiple submitters, no conflicts (2 of 4 stars). 4 submissions from 4 submitters: Pathogenic (3); Likely pathogenic (1). Last evaluated 2024-05-08.

Conditions:
Aplastic anemia. Identifiers: Orphanet 182040, Orphanet 88, MedGen C0002874, MONDO:0015909, OMIM 609135, HP:0001915.
Microcephaly, normal intelligence and immunodeficiency (NBS). Also called: Immunodeficiency, microcephaly with normal intelligence; SEEMANOVA SYNDROME II; Nijmegen breakage syndrome; Ataxia telangiectasia variant V1; Microcephaly with normal intelligence immunodeficiency and lymphoreticular malignancies; Nonsyndromal microcephaly autosomal recessive with normal intelligence. Identifiers: Orphanet 647, MedGen C0398791, MONDO:0009623, OMIM 251260.
Hereditary cancer-predisposing syndrome. Also called: Neoplastic Syndromes, Hereditary; Hereditary Cancer Syndrome; Hereditary neoplastic syndrome; Tumor predisposition. Identifiers: Orphanet 140162, MedGen C0027672, MeSH D009386, MONDO:0015356.

Submissions (4):

Myriad Genetics, Inc.
Classification: Pathogenic for Microcephaly, normal intelligence and immunodeficiency. Last evaluated: 2024-05-08. Review status: criteria provided, single submitter. Criteria: Myriad Autosomal Dominant, Autosomal Recessive and X-Linked Classification Criteria (2023). Collection method: clinical testing. Allele origin: unknown.
Comment: NM_002485.4(NBN):c.474delC(I159Lfs*14) is expected to be pathogenic in the context of Nijmegen breakage syndrome. This variant is predicted to lead to an abnormal or absent protein product due to the creation of a premature termination codon in NBN, a gene where loss-of-function variants are known to be pathogenic. Please note: this variant was assessed in the context of healthy population screening.

Baylor Genetics
Classification: Likely pathogenic for Aplastic anemia. Last evaluated: 2023-09-03. Review status: criteria provided, single submitter. Criteria: ACMG Guidelines, 2015. Collection method: clinical testing. Allele origin: unknown.

Ambry Genetics
Classification: Pathogenic for Hereditary cancer-predisposing syndrome. Last evaluated: 2021-12-30. Review status: criteria provided, single submitter. Criteria: Ambry Variant Classification Scheme 2023. Collection method: clinical testing. Allele origin: germline.
Comment: The c.474delC pathogenic mutation, located in coding exon 4 of the NBN gene, results from a deletion of one nucleotide at nucleotide position 474, causing a translational frameshift with a predicted alternate stop codon (p.I159Lfs*14). This variant is considered to be rare based on population cohorts in the Genome Aggregation Database (gnomAD). This alteration is expected to result in loss of function by premature protein truncation or nonsense-mediated mRNA decay. As such, this alteration is interpreted as a disease-causing mutation.

Labcorp Genetics (formerly Invitae), Labcorp
Classification: Pathogenic for Microcephaly, normal intelligence and immunodeficiency. Last evaluated: 2021-12-07. Review status: criteria provided, single submitter. Criteria: Invitae Variant Classification Sherloc (09022015). Collection method: clinical testing. Allele origin: germline.
Comment: This sequence change creates a premature translational stop signal (p.Ile159Leufs*14) in the NBN gene. It is expected to result in an absent or disrupted protein product. Loss-of-function variants in NBN are known to be pathogenic (PMID: 9590180, 16415040). This variant is not present in population databases (gnomAD no frequency). This variant has not been reported in the literature in individuals affected with NBN-related conditions. ClinVar contains an entry for this variant (Variation ID: 569322). For these reasons, this variant has been classified as Pathogenic.

Literature cited by the submitters: PubMed 9590180 (cited by Labcorp Genetics (formerly Invitae), Labcorp); PubMed 16415040 (cited by Labcorp Genetics (formerly Invitae), Labcorp).

NM_002485.5(NBN):c.474del (p.Ile159fs)

Gene: NBN (nibrin; minus strand). Cytogenetic location: 8q21.3.
Variant type: Deletion.
Coding change: c.474del on transcript NM_002485.5 (MANE Select); coding-DNA position 474, one base deleted (C; older notation c.474delC).
Protein change: p.Ile159fs; shifts the reading frame from isoleucine 159.
Molecular consequence: frameshift variant.
Genome position (GRCh38, 1-based): chr8:89,980,740, G deleted on the plus strand (C on the coding strand, the reverse complement: NBN is on the minus strand); the first of 2 consecutive G bases (chr8:89,980,740-89,980,741); deleting either gives the same sequence. VCF-style (leftmost placement, unchanged base first): chr8-89980739-TG-T. GRCh37 (hg19) VCF-style: chr8-90992967-TG-T.
Other names: c.474delC (NM_002485.4); c.228del, p.Ile77fs (NM_001024688.3); short protein forms I77fs, I159fs.
Identifiers: ClinVar variation 569322 (VCV000569322.11), dbSNP rs1563578540, ClinGen allele CA891842943.